The following is an entry in ClinVar:

ClinVar aggregate classification (somatic clinical impact): Tier II - Potential (1 of 4 stars; one submission).

Conditions:
Medulloblastoma SHH activated. Identifiers: MedGen C4330671, MONDO:0850197.

Submission:

Institute for Genomic Medicine (IGM) Clinical Laboratory, Nationwide Children's Hospital
Classification: Tier II - Potential for Medulloblastoma SHH activated. Assertion type: diagnostic. Clinical significance: supports diagnosis. Last evaluated: 2025-01-22. Review status: criteria provided, single submitter. Criteria: AMP/ASCO/CAP Guidelines, 2017. Collection method: clinical testing. Allele origin: somatic. Affected: yes.
Comment: Variant has Tier II (potential) clinical significance as a diagnostic inclusion criterion in medulloblastoma SHH activated, based on the following evidence: 1) Documented in one or more cancer databases (e.g., St. Jude Pecan, COSMIC, CIViC, OncoKB). 2) Assists in diagnosis alone or along with other biomarkers based on small studies or few case reports (Evidence Level D; PMID: 36713498).

Literature cited by the submitters: PubMed 36713498.

NM_152641.4(ARID2):c.3619C>T (p.Gln1207Ter)

Gene: ARID2 (AT-rich interaction domain 2; plus strand). Cytogenetic location: 12q12.
Variant type: single nucleotide variant.
Coding change: c.3619C>T on transcript NM_152641.4 (MANE Select); coding-DNA position 3619, C replaced by T.
Protein change: p.Gln1207Ter; replaces glutamine 1207 with a stop codon.
Molecular consequence: nonsense.
Genome position (GRCh38, 1-based): chr12:45,851,742, C>T. VCF-style: chr12-45851742-C-T. GRCh37 (hg19) VCF-style: chr12-46245525-C-T.
Other names: c.3619C>T, p.Gln1207Ter (NM_001347839.2); short protein forms Q1207*.
Identifiers: ClinVar variation 4530205 (VCV004530205.1).